The following is an entry in ClinVar:

ClinVar aggregate classification (germline): Uncertain significance (1 of 4 stars; one submission).

Conditions:
Catecholaminergic polymorphic ventricular tachycardia 1. Also called: RYR2-Related Catecholaminergic Polymorphic Ventricular Tachycardia; VENTRICULAR TACHYCARDIA, CATECHOLAMINERGIC POLYMORPHIC, 1, WITH OR WITHOUT ATRIAL DYSFUNCTION AND/OR DILATED CARDIOMYOPATHY; VENTRICULAR TACHYCARDIA, STRESS-INDUCED POLYMORPHIC 1. Identifiers: Orphanet 3286, MedGen C1631597, MONDO:0011484, OMIM 604772.

gnomAD v4.1: 1 of 1,613,174 alleles (0.000062%); highest among the groups gnomAD compares: Non-Finnish European, 0.000085%; no homozygotes.

Submission:

Labcorp Genetics (formerly Invitae), Labcorp
Classification: Uncertain significance for Catecholaminergic polymorphic ventricular tachycardia 1. Last evaluated: 2022-11-12. Review status: criteria provided, single submitter. Criteria: Invitae Variant Classification Sherloc (09022015). Collection method: clinical testing. Allele origin: germline.
Comment: This sequence change replaces serine, which is neutral and polar, with isoleucine, which is neutral and non-polar, at codon 4317 of the RYR2 protein (p.Ser4317Ile). This variant is not present in population databases (gnomAD no frequency). This variant has not been reported in the literature in individuals affected with RYR2-related conditions. Advanced modeling of protein sequence and biophysical properties (such as structural, functional, and spatial information, amino acid conservation, physicochemical variation, residue mobility, and thermodynamic stability) performed at Invitae indicates that this missense variant is not expected to disrupt RYR2 protein function. In summary, the available evidence is currently insufficient to determine the role of this variant in disease. Therefore, it has been classified as a Variant of Uncertain Significance.

NM_001035.3(RYR2):c.12950G>T (p.Ser4317Ile)

Genes: RYR2 (ryanodine receptor 2; plus strand), LOC126806068 (BRD4-independent group 4 enhancer GRCh37_chr1:237947411-237948610; plus strand). Cytogenetic location: 1q43.
Variant type: single nucleotide variant.
Coding change: c.12950G>T on transcript NM_001035.3 (MANE Select); coding-DNA position 12950, G replaced by T.
Protein change: p.Ser4317Ile; replaces serine 4317 with isoleucine.
Molecular consequence: missense variant.
Genome position (GRCh38, 1-based): chr1:237,784,662, G>T. VCF-style: chr1-237784662-G-T. GRCh37 (hg19) VCF-style: chr1-237947962-G-T.
Other names: short protein forms S4317I.
Identifiers: ClinVar variation 2813890 (VCV002813890.3), dbSNP rs2527795716, ClinGen allele CA345414809.
Genomic context (GRCh38, chr1:237,784,662, plus strand): 5'-TCGTGGCCAGCGTTTTCAGAGGCTTTTTCCGCATCATTTGCAGCCTGCTGCTTGGGGGAA[G>T]CCTCGTCGAAGGTGCTAAAAAGATCAAAGTTGCAGAACTGTTAGCCAACATGCCAGACCC-3'
Protein context (NP_001026.2, residues 4307-4327): RIICSLLLGG[Ser4317Ile]LVEGAKKIKV